The following is an entry in ClinVar:

NM_005138.3(SCO2):c.617G>A (p.Arg206His)

Genes: NCAPH2 (non-SMC condensin II complex subunit H2; plus strand), SCO2 (synthesis of cytochrome C oxidase 2; minus strand). Cytogenetic location: 22q13.33.
Variant type: single nucleotide variant.
Coding change: c.617G>A on transcript NM_005138.3 (MANE Select); coding-DNA position 617, G replaced by A.
Protein change: p.Arg206His; replaces arginine 206 with histidine.
Molecular consequence: missense variant. On other transcripts: 3 prime UTR variant (2).
Genome position (GRCh38, 1-based): chr22:50,523,795, C>T on the plus strand (G>A on the coding strand, the complement: SCO2 is on the minus strand). VCF-style: chr22-50523795-C-T. GRCh37 (hg19) VCF-style: chr22-50962224-C-T.
Other names: c.617G>A (NM_005138.2); c.*420C>T (NM_001185011.2, NM_152299.4); c.617G>A, p.Arg206His (NM_001169109.2, NM_001169110.1, NM_001169111.2); short protein forms R206H.
Identifiers: ClinVar variation 1494715 (VCV001494715.7), dbSNP rs777154604, ClinGen allele CA10321157.
Genomic context (GRCh38, chr22:50,523,795, plus strand): 5'-ATGGAGTGGTCCACGATGTAGTCCTGGTCCTCATCCTTGGGGCCTGCATTGTAGTACACG[C>T]GGTAACTGTGACTAGCCTGGGCAACCTGTTTGGTGGAGCCGGTCAGACCCAACAGTCTTG-3'
Protein context (NP_005129.2, residues 196-216): KQVAQASHSY[Arg206His]VYYNAGPKDE

ClinVar aggregate classification (germline): Uncertain significance. Review status: criteria provided, multiple submitters, no conflicts (2 of 4 stars). 5 submissions from 5 submitters: Uncertain significance (5). Last evaluated 2026-04-07.

Conditions:
Inborn genetic diseases. Identifiers: MedGen C0950123, MeSH D030342.
SCO2-related disorder. Also called: SCO2-related condition.

Allele frequency attached by ClinVar (database versions not stated): gnomAD 0.00001; ExAC 0.00002; gnomAD exomes 0.00002; TOPMed 0.00002.
gnomAD v4.1: 38 of 1,614,012 alleles (0.0024%); highest among the groups gnomAD compares: Middle Eastern, 0.016%; no homozygotes.

Submissions (5):

PreventionGenetics, part of Exact Sciences
Classification: Uncertain significance for SCO2-related condition. Last evaluated: 2026-04-07. Review status: criteria provided, single submitter. Criteria: ACMG Guidelines, 2015. Collection method: clinical testing. Allele origin: germline.
Comment: The SCO2 c.617G>A variant is predicted to result in the amino acid substitution p.Arg206His. To our knowledge, this variant has not been reported in the literature. This variant is reported in 0.0056% of alleles in individuals of Latino descent in gnomAD. At this time, the clinical significance of this variant is uncertain due to the absence of conclusive functional and genetic evidence.

Ambry Genetics
Classification: Uncertain significance for Inborn genetic diseases. Last evaluated: 2024-10-12. Review status: criteria provided, single submitter. Criteria: Ambry Variant Classification Scheme 2023. Collection method: clinical testing. Allele origin: germline.

GeneDx
Classification: Uncertain significance. Last evaluated: 2024-09-17. Review status: criteria provided, single submitter. Criteria: GeneDx Variant Classification Process June 2021. Collection method: clinical testing. Allele origin: germline. Affected: yes.
Comment: Not observed at significant frequency in large population cohorts (gnomAD); In silico analysis supports that this missense variant has a deleterious effect on protein structure/function; Has not been previously published as pathogenic or benign to our knowledge

Blueprint Genetics
Classification: Uncertain significance. Last evaluated: 2024-04-17. Review status: criteria provided, single submitter. Criteria: ACMG Guidelines, 2015. Collection method: clinical testing. Allele origin: germline.

Labcorp Genetics (formerly Invitae), Labcorp
Classification: Uncertain significance. Last evaluated: 2022-05-29. Review status: criteria provided, single submitter. Criteria: Invitae Variant Classification Sherloc (09022015). Collection method: clinical testing. Allele origin: germline.
Comment: This sequence change replaces arginine, which is basic and polar, with histidine, which is basic and polar, at codon 206 of the SCO2 protein (p.Arg206His). This variant is present in population databases (rs777154604, gnomAD 0.006%). This variant has not been reported in the literature in individuals affected with SCO2-related conditions. ClinVar contains an entry for this variant (Variation ID: 1494715). Algorithms developed to predict the effect of missense changes on protein structure and function are either unavailable or do not agree on the potential impact of this missense change (SIFT: "Deleterious"; PolyPhen-2: "Probably Damaging"; Align-GVGD: "Class C0"). In summary, the available evidence is currently insufficient to determine the role of this variant in disease. Therefore, it has been classified as a Variant of Uncertain Significance.